The following is an entry in ClinVar:

NM_000254.3(MTR):c.2730_2731delinsCT (p.Met910_Glu911delinsIleTer)

Gene: MTR (5-methyltetrahydrofolate-homocysteine methyltransferase; plus strand). Cytogenetic location: 1q43.
Variant type: Indel.
Coding change: c.2730_2731delinsCT on transcript NM_000254.3 (MANE Select); coding-DNA positions 2730 to 2731, GG replaced by CT.
Protein change: p.Met910_Glu911delinsIleTer.
Molecular consequence: nonsense.
Genome position (GRCh38, 1-based): chr1:236,885,174-236,885,175, GG replaced by CT. VCF-style: chr1-236885174-GG-CT. GRCh37 (hg19) VCF-style: chr1-237048474-GG-CT.
Other names: c.2577_2578delinsCT, p.Met859_Glu860delinsIleTer (NM_001291939.1); c.1509_1510delinsCT, p.Met503_Glu504delinsIleTer (NM_001291940.2); c.2541_2542delinsCT, p.Met847_Glu848delinsIleTer (NM_001410942.1).
Identifiers: ClinVar variation 2709023 (VCV002709023.3), dbSNP rs2528435985, ClinGen allele CA2697555046.

ClinVar aggregate classification (germline): Pathogenic (1 of 4 stars; one submission).

Conditions:
Methylcobalamin deficiency type cblG (HMAG). Also called: HOMOCYSTINURIA-MEGALOBLASTIC ANEMIA, cblG COMPLEMENTATION TYPE; Functional methionine synthase deficiency type cblG; HOMOCYSTINURIA-MEGALOBLASTIC ANEMIA, cblG TYPE; HOMOCYSTINURIA-MEGALOBLASTIC ANEMIA DUE TO DEFECT IN COBALAMIN METABOLISM, cblG COMPLEMENTATION TYPE. Identifiers: Orphanet 2170, Orphanet 622, MedGen C1855128, MONDO:0009609, OMIM 250940.

Submission:

Labcorp Genetics (formerly Invitae), Labcorp
Classification: Pathogenic for Methylcobalamin deficiency type cblG. Last evaluated: 2024-01-11. Review status: criteria provided, single submitter. Criteria: Invitae Variant Classification Sherloc (09022015). Collection method: clinical testing. Allele origin: germline.
Comment: This sequence change creates a premature translational stop signal (p.Met910_Glu911delinsIle*) in the MTR gene. It is expected to result in an absent or disrupted protein product. Loss-of-function variants in MTR are known to be pathogenic (PMID: 9683607, 12068375). Information on the frequency of this variant in the gnomAD database is not available, as this variant may be reported differently in the database. This variant has not been reported in the literature in individuals affected with MTR-related conditions. For these reasons, this variant has been classified as Pathogenic.

Literature cited by the submitters: PubMed 9683607; PubMed 12068375.